The following is an entry in ClinVar:

ClinVar aggregate classification (germline): Uncertain significance (1 of 4 stars; one submission).

Submission:

Labcorp Genetics (formerly Invitae), Labcorp
Classification: Uncertain significance. Last evaluated: 2025-08-04. Review status: criteria provided, single submitter. Criteria: Invitae Variant Classification Sherloc (09022015). Collection method: clinical testing. Allele origin: germline.
Comment: This variant, c.2674_2676del, results in the deletion of 1 amino acid(s) of the SPTBN2 protein (p.Gln892del), but otherwise preserves the integrity of the reading frame. This variant is not present in population databases (gnomAD no frequency). This variant has not been reported in the literature in individuals affected with SPTBN2-related conditions. Experimental studies and prediction algorithms are not available or were not evaluated, and the functional significance of this variant is currently unknown. In summary, the available evidence is currently insufficient to determine the role of this variant in disease. Therefore, it has been classified as a Variant of Uncertain Significance.

NM_006946.4(SPTBN2):c.2671CAG[1] (p.Gln892del)

Gene: SPTBN2 (spectrin beta, non-erythrocytic 2; minus strand). Cytogenetic location: 11q13.2.
Variant type: Microsatellite.
Coding change: c.2671CAG[1] on transcript NM_006946.4 (MANE Select); one copy of the 3-base unit CAG starting at c.2671; the reference has two copies in a row; one copy, 3 bases deleted.
Protein change: p.Gln892del; deletes glutamine 892.
Molecular consequence: inframe deletion.
Genome position (GRCh38, 1-based): chr11:66,704,600-66,704,602, CTG deleted on the plus strand (CAG on the coding strand, the reverse complement: SPTBN2 is on the minus strand); deleting any 3 consecutive bases within chr11:66,704,600-66,704,606 gives the same sequence; the position shown is the placement nearest the transcript's 3' end. VCF-style (leftmost placement, unchanged base first): chr11-66704599-TCTG-T. GRCh37 (hg19) VCF-style: chr11-66472070-TCTG-T.
Other names: c.2692CAG[1], p.Gln899del (NM_001411025.1); c.2671CAG[1], p.Gln892del (NM_001437541.1); short protein forms Q899del, Q892del.
Identifiers: ClinVar variation 4724363 (VCV004724363.1).
Genomic context (GRCh38, chr11:66,704,599, plus strand): 5'-CCTGGCCCCCCCACCCCCACCTCCCAAGGCTGGTCCCACTAGGAGCCTGAGGGGCCTACC[TCTG>T]CTGCACGACCTCCAGGTCCTCCAGGCGTTCAGGCAGGGCCAGCCCGTTGAGCCACTGCTC-3'